The following is an entry in ClinVar:

NM_000059.4(BRCA2):c.5569G>T (p.Glu1857Ter)

Gene: BRCA2 (BRCA2 DNA repair associated; plus strand). Cytogenetic location: 13q13.1.
Variant type: single nucleotide variant.
Coding change: c.5569G>T on transcript NM_000059.4 (MANE Select); coding-DNA position 5569, G replaced by T.
Protein change: p.Glu1857Ter; replaces glutamic acid 1857 with a stop codon.
Molecular consequence: nonsense.
Genome position (GRCh38, 1-based): chr13:32,339,924, G>T. VCF-style: chr13-32339924-G-T. GRCh37 (hg19) VCF-style: chr13-32914061-G-T.
Other names: short protein forms E1857*.
Identifiers: ClinVar variation 51880 (VCV000051880.19), dbSNP rs80358778, ClinGen allele CA022581.

ClinVar aggregate classification (germline): Pathogenic. Review status: reviewed by expert panel (3 of 4 stars). 8 submissions from 8 submitters: Pathogenic (1). 7 of the submissions do not count toward it. Last evaluated 2016-09-08.

Conditions:
Breast and/or ovarian cancer. Identifiers: MedGen CN221562.
Hereditary breast ovarian cancer syndrome. Also called: Hereditary breast and ovarian cancer syndrome; Hereditary breast and ovarian cancer; Hereditary breast and ovarian cancer syndrome (HBOC); Breast and ovarian cancer; Hereditary breast and/or ovarian cancer syndrome; BRCA1- and BRCA2-Associated Hereditary Breast and Ovarian Cancer. Identifiers: Orphanet 145, MedGen C0677776, MeSH D061325, MONDO:0003582. Disease mechanism: loss of function.
Hereditary cancer-predisposing syndrome. Also called: Neoplastic Syndromes, Hereditary; Tumor predisposition; Hereditary neoplastic syndrome; Hereditary Cancer Syndrome. Identifiers: Orphanet 140162, MedGen C0027672, MeSH D009386, MONDO:0015356.
Breast-ovarian cancer, familial, susceptibility to, 2 (BROVCA2). Also called: BRCA2 Hereditary Breast and Ovarian Cancer. Identifiers: Orphanet 145, MedGen C2675520, MONDO:0012933, OMIM 612555. Disease mechanism: loss of function.

Submissions (8):

Evidence-based Network for the Interpretation of Germline Mutant Alleles (ENIGMA)
Classification: Pathogenic for Breast-ovarian cancer, familial, susceptibility to, 2. Last evaluated: 2016-09-08. Review status: reviewed by expert panel. Criteria: ENIGMA BRCA1/2 Classification Criteria (2015). Collection method: curation. Allele origin: germline.
Comment: Variant allele predicted to encode a truncated non-functional protein.

Labcorp Genetics (formerly Invitae), Labcorp
Classification: Pathogenic for Hereditary breast ovarian cancer syndrome. Last evaluated: 2025-04-14. Review status: criteria provided, single submitter. Criteria: Invitae Variant Classification Sherloc (09022015). Collection method: clinical testing. Allele origin: germline. Not counted in ClinVar's aggregate classification.
Comment: This sequence change creates a premature translational stop signal (p.Glu1857*) in the BRCA2 gene. It is expected to result in an absent or disrupted protein product. Loss-of-function variants in BRCA2 are known to be pathogenic (PMID: 20104584). This variant is not present in population databases (gnomAD no frequency). This premature translational stop signal has been observed in individual(s) with personal and/or family history of breast and/or ovarian cancer (PMID: 10995809, 29446198). This variant is also known as 5797G>T. ClinVar contains an entry for this variant (Variation ID: 51880). For these reasons, this variant has been classified as Pathogenic.

CHEO Genetics Diagnostic Laboratory, Children's Hospital of Eastern Ontario
Classification: Pathogenic for Breast and/or ovarian cancer. Last evaluated: 2023-04-24. Review status: criteria provided, single submitter. Criteria: ACMG Guidelines, 2015. Collection method: clinical testing. Allele origin: germline. Not counted in ClinVar's aggregate classification.

Ambry Genetics
Classification: Pathogenic for Hereditary cancer-predisposing syndrome. Last evaluated: 2022-03-23. Review status: criteria provided, single submitter. Criteria: Ambry Variant Classification Scheme 2023. Collection method: clinical testing. Allele origin: germline. Not counted in ClinVar's aggregate classification.
Comment: The p.E1857* pathogenic mutation (also known as c.5569G>T), located in coding exon 10 of the BRCA2 gene, results from a G to T substitution at nucleotide position 5569. This changes the amino acid from a glutamic acid to a stop codon within coding exon 10. This alteration was observed in 2 of 1035 consecutive, newly diagnosed breast cancer patients with a family history of breast and/or ovarian cancer within a Finnish cohort (Syrj&auml;koski K et al. J Natl Cancer Inst, 2000 Sep;92:1529-31). This variant is considered to be rare based on population cohorts in the Genome Aggregation Database (gnomAD). In addition to the clinical data presented in the literature, this alteration is expected to result in loss of function by premature protein truncation or nonsense-mediated mRNA decay. As such, this alteration is interpreted as a disease-causing mutation.

Laboratory for Molecular Medicine, Mass General Brigham Personalized Medicine
Classification: Pathogenic for Hereditary breast ovarian cancer syndrome. Last evaluated: 2019-02-08. Review status: criteria provided, single submitter. Criteria: LMM Criteria. Collection method: clinical testing. Allele origin: germline. Inheritance: Autosomal dominant inheritance. Observed: 1 variant allele. Not counted in ClinVar's aggregate classification.
Comment: The p.Glu1857X variant in BRCA2 has been previously reported in at least 4 individuals with BRCA2-associated cancers (Breast Information Core Database (BIC)) and was absent from large population studies. This nonsense variant leads to a premature termination codon at position 1857 which is predicted to lead to a truncated or absent protein. Heterozygous loss of function of the BRCA2 gene is an established disease mechanism in individuals with hereditary breast and ovarian cancer (HBOC). Moreover, this variant was classified as pathogenic on September 8, 2016 by the ClinGen-approved ENIGMA expert panel (ClinVar SCV000300891.2). In summary, this variant meets criteria to be classified as pathogenic for HBOC in an autosomal dominant manner based upon the predicted impact to the protein, absence from the general population and presence in multiple affected individuals. ACMG/AMP Criteria applied: PVS1, PM2, PS4_supporting.

Consortium of Investigators of Modifiers of BRCA1/2 (CIMBA), c/o University of Cambridge
Classification: Pathogenic for Breast-ovarian cancer, familial, susceptibility to, 2. Last evaluated: 2015-10-02. Review status: criteria provided, single submitter. Criteria: CIMBA Mutation Classification guidelines May 2016. Collection method: clinical testing. Allele origin: germline. Not counted in ClinVar's aggregate classification.

Research Molecular Genetics Laboratory, Women's College Hospital, University of Toronto
Classification: Pathogenic for Hereditary breast ovarian cancer syndrome. Last evaluated: 2014-01-31. Review status: no assertion criteria provided. Collection method: research. Allele origin: germline. Affected: yes. Study: The Canadian Open Genetics Repository (COGR). Not counted in ClinVar's aggregate classification.

Breast Cancer Information Core (BIC) (BRCA2)
Classification: Pathogenic for Breast-ovarian cancer, familial 2. Last evaluated: 2000-06-12. Review status: no assertion criteria provided. Collection method: clinical testing. Allele origin: germline. Affected: yes. Observed: 4 variant alleles. Not counted in ClinVar's aggregate classification.

Literature cited by the submitters: PubMed 20104584 (cited by Labcorp Genetics (formerly Invitae), Labcorp); PubMed 10995809 (cited by 3 submitters); PubMed 29446198 (cited by Labcorp Genetics (formerly Invitae), Labcorp).